The following is an entry in ClinVar:

ClinVar aggregate classification (germline): Pathogenic. Review status: criteria provided, multiple submitters, no conflicts (2 of 4 stars). 2 submissions from 2 submitters: Pathogenic (2). Last evaluated 2026-03-24.

Conditions:
Familial multiple polyposis syndrome (FAP). Also called: Classic familial adenomatous polyposis; Familial intestinal polyposis; Familial polyposis; Familial Adenomatous Polyposis (FAP); Familial adenomatous polyposis. Identifiers: Orphanet 733, MedGen C0032580, MONDO:0021055. Disease mechanism: loss of function.
Familial adenomatous polyposis 1 (FAP1). Also called: FAMILIAL ADENOMATOUS POLYPOSIS 1, ATTENUATED; POLYPOSIS, ADENOMATOUS INTESTINAL. Identifiers: MedGen C2713442, MONDO:0021056, OMIM 175100. Disease mechanism: loss of function.

Submissions (2):

Women's Health and Genetics/Laboratory Corporation of America, LabCorp
Classification: Pathogenic for Familial multiple polyposis syndrome. Last evaluated: 2026-03-24. Review status: criteria provided, single submitter. Criteria: LabCorp Variant Classification Summary - May 2015. Collection method: clinical testing. Allele origin: germline.
Comment: Variant summary: APC c.532-2A>G is located in a canonical splice-site and is predicted to affect mRNA splicing resulting in a significantly altered protein due to either exon skipping, shortening, or inclusion of intronic material. Variants that disrupt the consensus splice site are a relatively common cause of aberrant splicing and loss of APC function. Other variants that the same splice-site have been reported as pathogenic (c.532-2A>T, c.532-2A>C). The variant was absent in 248956 control chromosomes. c.532-2A>G has been observed in individual(s) affected with Familial Adenomatous Polyposis (example: Friedl_2005). To our knowledge, no experimental evidence demonstrating an impact on protein function has been reported. The following publication has been ascertained in the context of this evaluation (PMID: 20223039). ClinVar contains an entry for this variant (Variation ID: 537563). Based on the evidence outlined above, the variant was classified as pathogenic.

Labcorp Genetics (formerly Invitae), Labcorp
Classification: Pathogenic for Familial adenomatous polyposis 1. Last evaluated: 2022-11-15. Review status: criteria provided, single submitter. Criteria: Invitae Variant Classification Sherloc (09022015). Collection method: clinical testing. Allele origin: germline.
Comment: ClinVar contains an entry for this variant (Variation ID: 537563). For these reasons, this variant has been classified as Pathogenic. Algorithms developed to predict the effect of sequence changes on RNA splicing suggest that this variant may disrupt the consensus splice site. Disruption of this splice site has been observed in individuals with familial adenomatous polyposis (PMID: 20223039; Invitae). This variant is not present in population databases (gnomAD no frequency). This sequence change affects an acceptor splice site in intron 5 of the APC gene. It is expected to disrupt RNA splicing. Variants that disrupt the donor or acceptor splice site typically lead to a loss of protein function (PMID: 16199547), and loss-of-function variants in APC are known to be pathogenic (PMID: 17963004, 20685668).

Literature cited by the submitters: PubMed 20223039 (cited by Women's Health and Genetics/Laboratory Corporation of America, LabCorp and Labcorp Genetics (formerly Invitae), Labcorp); PubMed 16199547 (cited by Labcorp Genetics (formerly Invitae), Labcorp); PubMed 17963004 (cited by Labcorp Genetics (formerly Invitae), Labcorp); PubMed 20685668 (cited by Labcorp Genetics (formerly Invitae), Labcorp).

NM_000038.6(APC):c.532-2A>G

Gene: APC (APC regulator of Wnt signaling pathway; plus strand). Cytogenetic location: 5q22.2.
Variant type: single nucleotide variant.
Coding change: c.532-2A>G on transcript NM_000038.6 (MANE Select); the canonical splice acceptor site of the intron before coding-DNA position 532, A replaced by G.
Molecular consequence: splice acceptor variant.
Genome position (GRCh38, 1-based): chr5:112,780,788, A>G. VCF-style: chr5-112780788-A-G. GRCh37 (hg19) VCF-style: chr5-112116485-A-G.
Other names: c.-504-2A>G (NM_001407470.1, NM_001407472.1, NM_001354906.2 and 1 more transcripts); c.532-2A>G (NM_001407447.1, NM_001354895.2, NM_001407456.1 and 16 more transcripts); c.562-2A>G (NM_001407446.1, NM_001354897.2, NM_001354902.2 and 1 more transcripts); c.355-2A>G (NM_001407453.1, NM_001354900.2, NM_001354901.2 and 1 more transcripts); c.457-2A>G (NM_001407451.1, NM_001354898.2, NM_001354904.2).
Identifiers: ClinVar variation 537563 (VCV000537563.9), dbSNP rs752152148, ClinGen allele CA360617494.
Genomic context (GRCh38, chr5:112,780,788, plus strand): 5'-TTGCTTTTACTGATTAACGTAAATACAAGATATTGATACTTTTTTATTATTTGTGGTTTT[A>G]GTTTTCCTTACAAACAGATATGACCAGAAGGCAATTGGAATATGAAGCAAGGCAAATCAG-3'